The following is an entry in ClinVar:

NM_024642.5(GALNT12):c.1186T>C (p.Tyr396His)

Gene: GALNT12 (polypeptide N-acetylgalactosaminyltransferase 12; plus strand). Cytogenetic location: 9q22.33.
Variant type: single nucleotide variant.
Coding change: c.1186T>C on transcript NM_024642.5 (MANE Select); coding-DNA position 1186, T replaced by C.
Protein change: p.Tyr396His; replaces tyrosine 396 with histidine.
Molecular consequence: missense variant.
Genome position (GRCh38, 1-based): chr9:98,837,122, T>C. VCF-style: chr9-98837122-T-C. GRCh37 (hg19) VCF-style: chr9-101599404-T-C.
Other names: short protein forms Y396H.
Identifiers: ClinVar variation 5022134 (VCV005022134.1).
Genomic context (GRCh38, chr9:98,837,122, plus strand): 5'-GCTCTGGCCAACAGTGTTCGTGCAGCTGAAGTATGGATGGATGAATTTAAAGAGCTCTAC[T>C]ACCATCGCAACCCCCGTGCCCGCTTGGTGAGTTCCTCGGCCCACCTGCACTCCATCTGGC-3'
Protein context (NP_078918.3, residues 386-406): VWMDEFKELY[Tyr396His]HRNPRARLEP

ClinVar aggregate classification (germline): Uncertain significance (1 of 4 stars; one submission).

gnomAD v4.1: 13 of 1,614,138 alleles (0.00081%); highest among the groups gnomAD compares: Non-Finnish European, 0.0011%; no homozygotes.

Submission:

Ambry Genetics
Classification: Uncertain significance. Last evaluated: 2026-07-05. Review status: criteria provided, single submitter. Criteria: Ambry Variant Classification Scheme 2023. Collection method: clinical testing. Allele origin: germline.
Comment: The p.Y396H variant (also known as c.1186T>C), located in coding exon 6 of the GALNT12 gene, results from a T to C substitution at nucleotide position 1186. The tyrosine at codon 396 is replaced by histidine, an amino acid with similar properties. This amino acid position is conserved. In addition, this alteration is predicted to be deleterious by in silico analysis. Based on the available evidence, the clinical significance of this variant remains unclear.